The following is an entry in ClinVar:

ClinVar aggregate classification (germline): Uncertain significance (1 of 4 stars; one submission).

Allele frequency attached by ClinVar (database versions not stated): ExAC 0.00001; gnomAD 0.00001; TOPMed 0.00001.
gnomAD v4.1: 11 of 1,614,112 alleles (0.00068%); highest among the groups gnomAD compares: Non-Finnish European, 0.00085%; no homozygotes.

Submission:

Labcorp Genetics (formerly Invitae), Labcorp
Classification: Uncertain significance. Last evaluated: 2022-02-08. Review status: criteria provided, single submitter. Criteria: Invitae Variant Classification Sherloc (09022015). Collection method: clinical testing. Allele origin: germline.
Comment: This sequence change replaces asparagine, which is neutral and polar, with lysine, which is basic and polar, at codon 194 of the PUS1 protein (p.Asn194Lys). This variant is present in population databases (rs757441851, gnomAD 0.002%). This variant has not been reported in the literature in individuals affected with PUS1-related conditions. Algorithms developed to predict the effect of missense changes on protein structure and function output the following: SIFT: "Tolerated"; PolyPhen-2: "Benign"; Align-GVGD: "Class C0". The lysine amino acid residue is found in multiple mammalian species, which suggests that this missense change does not adversely affect protein function. In summary, the available evidence is currently insufficient to determine the role of this variant in disease. Therefore, it has been classified as a Variant of Uncertain Significance.

NM_025215.6(PUS1):c.582C>G (p.Asn194Lys)

Gene: PUS1 (pseudouridine synthase 1; plus strand). Cytogenetic location: 12q24.33.
Variant type: single nucleotide variant.
Coding change: c.582C>G on transcript NM_025215.6 (MANE Select); coding-DNA position 582, C replaced by G.
Protein change: p.Asn194Lys; replaces asparagine 194 with lysine.
Molecular consequence: missense variant.
Genome position (GRCh38, 1-based): chr12:131,941,329, C>G. VCF-style: chr12-131941329-C-G. GRCh37 (hg19) VCF-style: chr12-132425874-C-G.
Other names: c.498C>G, p.Asn166Lys (NM_001002019.3, NM_001002020.3); short protein forms N166K, N194K.
Identifiers: ClinVar variation 2428173 (VCV002428173.3), dbSNP rs757441851, ClinGen allele CA6884198.